The following is an entry in ClinVar:

NM_000147.5(FUCA1):c.402G>C (p.Leu134Phe)

Genes: FUCA1 (alpha-L-fucosidase 1; minus strand), LOC126805661 (BRD4-independent group 4 enhancer GRCh37_chr1:24191742-24192941; plus strand). Cytogenetic location: 1p36.11.
Variant type: single nucleotide variant.
Coding change: c.402G>C on transcript NM_000147.5 (MANE Select); coding-DNA position 402, G replaced by C.
Protein change: p.Leu134Phe; replaces leucine 134 with phenylalanine.
Molecular consequence: missense variant.
Genome position (GRCh38, 1-based): chr1:23,865,613, C>G on the plus strand (G>C on the coding strand, the complement: FUCA1 is on the minus strand). VCF-style: chr1-23865613-C-G. GRCh37 (hg19) VCF-style: chr1-24192103-C-G.
Other names: p.Leu134Phe; short protein forms L134F.
Identifiers: ClinVar variation 287588 (VCV000287588.25), dbSNP rs143691289, ClinGen allele CA686553.

ClinVar aggregate classification (germline): Benign/Likely benign. Review status: criteria provided, multiple submitters, no conflicts (2 of 4 stars). 9 submissions from 9 submitters: Benign (2); Likely benign (6). 1 of the submissions does not count toward it. Last evaluated 2026-07-01.

Conditions:
Fucosidosis. Also called: ALPHA-L-FUCOSIDASE DEFICIENCY. Identifiers: Orphanet 349, MedGen C0016788, MONDO:0009254, OMIM 230000.
FUCA1-related disorder. Also called: FUCA1-related condition.

Allele frequency attached by ClinVar (database versions not stated): 1000 Genomes Project 0.00120; 1000 Genomes Project 30x 0.00156; ESP Exome Variant Server 0.00269; TOPMed 0.00274; ExAC 0.00297; gnomAD exomes 0.00334 and 0.00412; gnomAD 0.00357 and 0.00371.
gnomAD v4.1: 6,565 of 1,614,196 alleles (0.41%); highest among the groups gnomAD compares: Non-Finnish European, 0.43%; 22 homozygotes.

Submissions (9):

CeGaT Center for Human Genetics Tuebingen
Classification: Likely benign. Last evaluated: 2026-07-01. Review status: criteria provided, single submitter. Criteria: CeGaT Center For Human Genetics Tuebingen Variant Classification Criteria Version 2. Collection method: clinical testing. Allele origin: germline. Affected: yes. Observed: 1 variant allele.
Comment: FUCA1: BS2

Labcorp Genetics (formerly Invitae), Labcorp
Classification: Likely benign for Fucosidosis. Last evaluated: 2026-01-28. Review status: criteria provided, single submitter. Criteria: Invitae Variant Classification Sherloc (09022015). Collection method: clinical testing. Allele origin: germline.

Blueprint Genetics
Classification: Likely benign. Last evaluated: 2024-11-25. Review status: criteria provided, single submitter. Criteria: ACMG Guidelines, 2015. Collection method: clinical testing. Allele origin: germline.

Mayo Clinic Laboratories, Mayo Clinic
Classification: Benign. Last evaluated: 2023-11-08. Review status: criteria provided, single submitter. Criteria: ACMG Guidelines, 2015. Collection method: clinical testing. Allele origin: germline. Observed: 3 variant alleles.
Comment: BA1, BS2, BP4

GeneDx
Classification: Likely benign. Last evaluated: 2021-04-06. Review status: criteria provided, single submitter. Criteria: GeneDx Variant Classification Process June 2021. Collection method: clinical testing. Allele origin: germline. Affected: yes.

Illumina Laboratory Services, Illumina
Classification: Likely benign for Fucosidosis. Last evaluated: 2018-01-13. Review status: criteria provided, single submitter. Criteria: ICSL Variant Classification Criteria 13 December 2019. Collection method: clinical testing. Allele origin: germline.
Comment: This variant was observed in the ICSL laboratory as part of a predisposition screen in an ostensibly healthy population. It had not been previously curated by ICSL or reported in the Human Gene Mutation Database (HGMD: prior to June 1st, 2018), and was therefore a candidate for classification through an automated scoring system. Utilizing variant allele frequency, disease prevalence and penetrance estimates, and inheritance mode, an automated score was calculated to assess if this variant is too frequent to cause the disease. Based on the score and internal cut-off values, a variant classified as likely benign is not then subjected to further curation. The score for this variant resulted in a classification of likely benign for this disease.

Eurofins Ntd Llc (ga)
Classification: Benign. Last evaluated: 2016-04-18. Review status: criteria provided, single submitter. Criteria: EGL Classification Definitions 2015. Collection method: clinical testing. Allele origin: germline. Observed: 1 variant allele, 1 heterozygote.

Breakthrough Genomics
Classification: Likely benign. Review status: criteria provided, single submitter. Criteria: ACMG Guidelines, 2015. Collection method: not provided. Allele origin: germline. Inheritance: Autosomal recessive inheritance. Affected: yes.

PreventionGenetics, part of Exact Sciences
Classification: Benign for FUCA1-related condition. Last evaluated: 2024-08-23. Review status: no assertion criteria provided. Collection method: clinical testing. Allele origin: germline. Not counted in ClinVar's aggregate classification.
Comment: This variant is classified as benign based on ACMG/AMP sequence variant interpretation guidelines (Richards et al. 2015 PMID: 25741868, with internal and published modifications).